The following is an entry in ClinVar:

ClinVar aggregate classification (germline): Uncertain significance (1 of 4 stars; one submission).

gnomAD v4.1: 1 of 1,614,032 alleles (0.000062%); highest among the groups gnomAD compares: Non-Finnish European, 0.000085%; no homozygotes.

Submission:

Labcorp Genetics (formerly Invitae), Labcorp
Classification: Uncertain significance. Last evaluated: 2024-05-12. Review status: criteria provided, single submitter. Criteria: Invitae Variant Classification Sherloc (09022015). Collection method: clinical testing. Allele origin: germline.
Comment: This sequence change replaces arginine, which is basic and polar, with histidine, which is basic and polar, at codon 322 of the MAST1 protein (p.Arg322His). This variant is present in population databases (no rsID available, gnomAD 0.0009%). This variant has not been reported in the literature in individuals affected with MAST1-related conditions. An algorithm developed to predict the effect of missense changes on protein structure and function (PolyPhen-2) suggests that this variant is likely to be disruptive. In summary, the available evidence is currently insufficient to determine the role of this variant in disease. Therefore, it has been classified as a Variant of Uncertain Significance.

NM_014975.3(MAST1):c.965G>A (p.Arg322His)

Gene: MAST1 (microtubule associated serine/threonine kinase 1; plus strand). Cytogenetic location: 19p13.13.
Variant type: single nucleotide variant.
Coding change: c.965G>A on transcript NM_014975.3 (MANE Select); coding-DNA position 965, G replaced by A.
Protein change: p.Arg322His; replaces arginine 322 with histidine.
Molecular consequence: missense variant.
Genome position (GRCh38, 1-based): chr19:12,852,203, G>A. VCF-style: chr19-12852203-G-A. GRCh37 (hg19) VCF-style: chr19-12963017-G-A.
Other names: short protein forms R322H.
Identifiers: ClinVar variation 3689823 (VCV003689823.2).